The following is an entry in ClinVar:

NM_001267550.2(TTN):c.39511del (p.Val13171fs)

Gene: TTN (titin; minus strand). Cytogenetic location: 2q31.2.
Variant type: Deletion.
Coding change: c.39511del on transcript NM_001267550.2 (MANE Select); coding-DNA position 39511, one base deleted (G; older notation c.39511delG).
Protein change: p.Val13171fs; shifts the reading frame from valine 13171.
Molecular consequence: frameshift variant. On other transcripts: intron variant (3).
Genome position (GRCh38, 1-based): chr2:178,651,489, C deleted on the plus strand (G on the coding strand, the reverse complement: TTN is on the minus strand); the first of 2 consecutive C bases (chr2:178,651,489-178,651,490); deleting either gives the same sequence. VCF-style (leftmost placement, unchanged base first): chr2-178651488-AC-A. GRCh37 (hg19) VCF-style: chr2-179516215-AC-A.
Other names: c.34990del, p.Val11664fs (NM_001256850.1); c.32209del, p.Val10737fs (NM_133378.4); c.13283-9172del (NM_003319.4); c.13859-9172del (NM_133437.4); c.13658-9172del (NM_133432.3); short protein forms V10737fs, V11664fs, V13171fs.
Identifiers: ClinVar variation 2938946 (VCV002938946.3), dbSNP rs2472357438, ClinGen allele CA2740096178.
Genomic context (GRCh38, chr2:178,651,488, plus strand): 5'-TCAAACAGTGGACAGCCACATATACCTTTAGCAGGTGGGGCTTCTGGCTTTTTGGGAACC[AC>A]CAGAGGCACCTTCTTTTCAGGAACAACCTCCTTGGGCACCTCGGGCACTATAAAAGATAT-3'

ClinVar aggregate classification (germline): Likely pathogenic (1 of 4 stars; one submission).

Conditions:
Dilated cardiomyopathy 1G (CMD1G). Identifiers: Orphanet 154, MedGen C1858763, MONDO:0011400, OMIM 604145.
Autosomal recessive limb-girdle muscular dystrophy type 2J (LGMDR10). Also called: Limb-girdle muscular dystrophy, type 2J; MUSCULAR DYSTROPHY, LIMB-GIRDLE, AUTOSOMAL RECESSIVE 10. Identifiers: Orphanet 140922, MedGen C1837342, MONDO:0012127, OMIM 608807.

Submission:

Labcorp Genetics (formerly Invitae), Labcorp
Classification: Likely pathogenic for Dilated cardiomyopathy 1G; Autosomal recessive limb-girdle muscular dystrophy type 2J. Last evaluated: 2024-11-04. Review status: criteria provided, single submitter. Criteria: Invitae Variant Classification Sherloc (09022015). Collection method: clinical testing. Allele origin: germline.
Comment: This sequence change creates a premature translational stop signal (p.Val13171Trpfs*26) in the TTN gene. While this is not anticipated to result in nonsense mediated decay, it is expected to create a truncated TTN protein. This variant is not present in population databases (gnomAD no frequency). This variant has not been reported in the literature in individuals affected with TTN-related conditions. ClinVar contains an entry for this variant (Variation ID: 2938946). This variant is located in the I band of TTN (PMID: 25589632). Truncating variants in this region have been reported in individuals affected with autosomal recessive centronuclear myopathy (PMID: 23975875, internal data). Truncating variants in this region have also been identified in individuals affected with autosomal dominant dilated cardiomyopathy and/or cardio-related conditions (PMID: 27869827, 32964742, internal data). In summary, the currently available evidence indicates that the variant is pathogenic, but additional data are needed to prove that conclusively. Therefore, this variant has been classified as Likely Pathogenic.

Literature cited by the submitters: PubMed 25589632; PubMed 23975875; PubMed 27869827; PubMed 32964742.